The following is an entry in ClinVar:

NM_020822.3(KCNT1):c.2897C>A (p.Ala966Asp)

Gene: KCNT1 (potassium sodium-activated channel subfamily T member 1; plus strand). Cytogenetic location: 9q34.3.
Variant type: single nucleotide variant.
Coding change: c.2897C>A on transcript NM_020822.3 (MANE Select); coding-DNA position 2897, C replaced by A.
Protein change: p.Ala966Asp; replaces alanine 966 with aspartic acid.
Molecular consequence: missense variant.
Genome position (GRCh38, 1-based): chr9:135,784,079, C>A. VCF-style: chr9-135784079-C-A. GRCh37 (hg19) VCF-style: chr9-138675925-C-A.
Other names: c.2762C>A, p.Ala921Asp (NM_001272003.2); short protein forms A921D, A966D.
Identifiers: ClinVar variation 3371733 (VCV003371733.1).

ClinVar aggregate classification (germline): Uncertain significance (1 of 4 stars; one submission).

Submission:

GeneDx
Classification: Uncertain significance. Last evaluated: 2024-03-29. Review status: criteria provided, single submitter. Criteria: GeneDx Variant Classification Process June 2021. Collection method: clinical testing. Allele origin: germline. Affected: yes.
Comment: Not observed at significant frequency in large population cohorts (gnomAD); In silico analysis supports that this missense variant has a deleterious effect on protein structure/function; Has not been previously published as pathogenic or benign to our knowledge; This variant is associated with the following publications: (PMID: 24463883)